The following is an entry in ClinVar:

ClinVar aggregate classification (germline): Likely pathogenic (1 of 4 stars; one submission).

Conditions:
Joubert syndrome 37. Identifiers: MedGen C5543064, MONDO:0030933, OMIM 619185.

Submission:

First Genomix Gene Laboratory, Genetic Diagnostics Department
Classification: Likely pathogenic for Joubert syndrome 37. Last evaluated: 2025-04-30. Review status: criteria provided, single submitter. Criteria: ACMG Guidelines, 2015. Collection method: clinical testing. Allele origin: germline. Inheritance: Autosomal recessive inheritance. Affected: no. Observed: 1 variant allele.

NM_001308120.2(TOGARAM1):c.1844del (p.Ala615fs)

Gene: TOGARAM1 (TOG array regulator of axonemal microtubules 1; plus strand). Cytogenetic location: 14q21.2.
Variant type: Deletion.
Coding change: c.1844del on transcript NM_001308120.2 (MANE Select); coding-DNA position 1844, one base deleted (C; older notation c.1844delC).
Protein change: p.Ala615fs; shifts the reading frame from alanine 615.
Molecular consequence: frameshift variant. On other transcripts: non-coding transcript variant (1).
Genome position (GRCh38, 1-based): chr14:44,964,265, C deleted. VCF-style (leftmost placement, unchanged base first): chr14-44964264-GC-G. GRCh37 (hg19) VCF-style: chr14-45433467-GC-G.
Other names: c.1844del, p.Ala615fs (NM_015091.4); c.1844delC (NM_015091.4); short protein forms A615fs.
Identifiers: ClinVar variation 4845913 (VCV004845913.1).
Genomic context (GRCh38, chr14:44,964,264, plus strand): 5'-TCTTCTGCCGGGGGTAGGTCAAACCATTTGGCACATGGAGCAGATACGGACTGGCTTTTG[GC>G]TGGTAACAGAACTCAGAGTGCACACTGTCACTGTGGTGACCACGTGAGGGATAGCATGCA-3'